The following is an entry in ClinVar:

NM_181882.3(PRX):c.4232G>T (p.Arg1411Leu)

Gene: PRX (periaxin; minus strand). Cytogenetic location: 19q13.2.
Variant type: single nucleotide variant.
Coding change: c.4232G>T on transcript NM_181882.3 (MANE Select); coding-DNA position 4232, G replaced by T.
Protein change: p.Arg1411Leu; replaces arginine 1411 with leucine.
Molecular consequence: missense variant. On other transcripts: 3 prime UTR variant (1).
Genome position (GRCh38, 1-based): chr19:40,394,120, C>A on the plus strand (G>T on the coding strand, the complement: PRX is on the minus strand). VCF-style: chr19-40394120-C-A. GRCh37 (hg19) VCF-style: chr19-40900027-C-A.
Other names: c.*4437G>T (NM_020956.2); short protein forms R1411L.
Identifiers: ClinVar variation 663881 (VCV000663881.9), dbSNP rs1005254872, ClinGen allele CA405890124.

ClinVar aggregate classification (germline): Uncertain significance. Review status: criteria provided, multiple submitters, no conflicts (2 of 4 stars). 2 submissions from 2 submitters: Uncertain significance (2). Last evaluated 2023-06-30.

Conditions:
Charcot-Marie-Tooth disease type 4. Also called: Charcot-Marie-Tooth, Type 4; Charcot-Marie-Tooth disease, type IV. Identifiers: Orphanet 64749, MedGen C4082197, MONDO:0018995.

Allele frequency attached by ClinVar (database versions not stated): gnomAD exomes 0.00001; TOPMed 0.00001.
gnomAD v4.1: 18 of 1,604,956 alleles (0.0011%); highest among the groups gnomAD compares: Non-Finnish European, 0.0014%; no homozygotes.

Submissions (2):

Labcorp Genetics (formerly Invitae), Labcorp
Classification: Uncertain significance for Charcot-Marie-Tooth disease type 4. Last evaluated: 2023-06-30. Review status: criteria provided, single submitter. Criteria: Invitae Variant Classification Sherloc (09022015). Collection method: clinical testing. Allele origin: germline.
Comment: Advanced modeling of protein sequence and biophysical properties (such as structural, functional, and spatial information, amino acid conservation, physicochemical variation, residue mobility, and thermodynamic stability) performed at Invitae indicates that this missense variant is not expected to disrupt PRX protein function. ClinVar contains an entry for this variant (Variation ID: 663881). This variant has not been reported in the literature in individuals affected with PRX-related conditions. The frequency data for this variant in the population databases is considered unreliable, as metrics indicate poor data quality at this position in the gnomAD database. This sequence change replaces arginine, which is basic and polar, with leucine, which is neutral and non-polar, at codon 1411 of the PRX protein (p.Arg1411Leu). In summary, the available evidence is currently insufficient to determine the role of this variant in disease. Therefore, it has been classified as a Variant of Uncertain Significance.

Athena Diagnostics
Classification: Uncertain significance. Last evaluated: 2021-05-24. Review status: criteria provided, single submitter. Criteria: Athena Diagnostics criteria. Collection method: clinical testing. Allele origin: unknown.